The following is an entry in ClinVar:

NM_014795.4(ZEB2):c.2591_2592del (p.Phe864fs)

Gene: ZEB2 (zinc finger E-box binding homeobox 2; minus strand). Cytogenetic location: 2q22.3.
Variant type: Deletion.
Coding change: c.2591_2592del on transcript NM_014795.4 (MANE Select); coding-DNA positions 2591 to 2592, 2 bases deleted (TT; older notation c.2591_2592delTT).
Protein change: p.Phe864fs; shifts the reading frame from phenylalanine 864.
Molecular consequence: frameshift variant.
Genome position (GRCh38, 1-based): chr2:144,398,595-144,398,596, AA deleted on the plus strand (TT on the coding strand, the reverse complement: ZEB2 is on the minus strand); deleting any 2 consecutive bases within chr2:144,398,595-144,398,598 gives the same sequence; the c. name uses the placement nearest the transcript's 3' end. VCF-style (leftmost placement, unchanged base first): chr2-144398594-TAA-T. GRCh37 (hg19) VCF-style: chr2-145156161-TAA-T.
Other names: c.2519_2520del, p.Phe840fs (NM_001171653.2); short protein forms F840fs, F864fs.
Identifiers: ClinVar variation 4997700 (VCV004997700.1).

ClinVar aggregate classification (germline): Likely pathogenic (1 of 4 stars; one submission).

Conditions:
ZEB2-related disorder. Also called: ZEB2-related condition.

Submission:

PreventionGenetics, part of Exact Sciences
Classification: Likely pathogenic for ZEB2-related condition. Last evaluated: 2024-12-11. Review status: criteria provided, single submitter. Criteria: ACMG Guidelines, 2015. Collection method: clinical testing. Allele origin: germline.
Comment: The ZEB2 c.2591_2592delTT variant is predicted to result in a frameshift and premature protein termination (p.Phe864Tyrfs*10). To our knowledge, this variant has not been reported in the literature or in a large population database (gnomAD), indicating this variant is rare. Frameshift variants in ZEB2 are expected to be pathogenic. This variant is interpreted as likely pathogenic.